The following is an entry in ClinVar:

NM_004329.3(BMPR1A):c.1066C>A (p.Pro356Thr)

Gene: BMPR1A (bone morphogenetic protein receptor type 1A; plus strand). Cytogenetic location: 10q23.2.
Variant type: single nucleotide variant.
Coding change: c.1066C>A on transcript NM_004329.3 (MANE Select); coding-DNA position 1066, C replaced by A.
Protein change: p.Pro356Thr; replaces proline 356 with threonine.
Molecular consequence: missense variant.
Genome position (GRCh38, 1-based): chr10:86,919,369, C>A. VCF-style: chr10-86919369-C-A. GRCh37 (hg19) VCF-style: chr10-88679126-C-A.
Other names: short protein forms P356T.
Identifiers: ClinVar variation 918439 (VCV000918439.14), dbSNP rs774555805, ClinGen allele CA377460756.
Genomic context (GRCh38, chr10:86,919,369, plus strand): 5'-TATTCAGCTGCCTGTGGTCTGTGCCACCTGCACACAGAAATTTATGGCACCCAAGGAAAG[C>A]CCGCAATTGCTCATCGAGACCTAAAGAGCAAAAACATCCTCATCAAGAAAAATGGGAGTT-3'
Protein context (NP_004320.2, residues 346-366): HTEIYGTQGK[Pro356Thr]AIAHRDLKSK

ClinVar aggregate classification (germline): Uncertain significance. Review status: criteria provided, multiple submitters, no conflicts (2 of 4 stars). 2 submissions from 2 submitters: Uncertain significance (2). Last evaluated 2024-07-23.

Conditions:
Hereditary cancer-predisposing syndrome. Also called: Hereditary Cancer Syndrome; Hereditary neoplastic syndrome; Neoplastic Syndromes, Hereditary; Tumor predisposition. Identifiers: Orphanet 140162, MedGen C0027672, MeSH D009386, MONDO:0015356.
Juvenile polyposis syndrome (JPS). Identifiers: Orphanet 2929, MedGen C0345893, MONDO:0017380, OMIM 174900.

Submissions (2):

Labcorp Genetics (formerly Invitae), Labcorp
Classification: Uncertain significance for Juvenile polyposis syndrome. Last evaluated: 2024-07-23. Review status: criteria provided, single submitter. Criteria: Invitae Variant Classification Sherloc (09022015). Collection method: clinical testing. Allele origin: germline.
Comment: This sequence change replaces proline, which is neutral and non-polar, with threonine, which is neutral and polar, at codon 356 of the BMPR1A protein (p.Pro356Thr). This variant is not present in population databases (gnomAD no frequency). This variant has not been reported in the literature in individuals affected with BMPR1A-related conditions. ClinVar contains an entry for this variant (Variation ID: 918439). Advanced modeling of protein sequence and biophysical properties (such as structural, functional, and spatial information, amino acid conservation, physicochemical variation, residue mobility, and thermodynamic stability) has been performed at Invitae for this missense variant, however the output from this modeling did not meet the statistical confidence thresholds required to predict the impact of this variant on BMPR1A protein function. In summary, the available evidence is currently insufficient to determine the role of this variant in disease. Therefore, it has been classified as a Variant of Uncertain Significance.

Color Diagnostics, LLC DBA Color Health
Classification: Uncertain significance for Hereditary cancer-predisposing syndrome. Last evaluated: 2024-03-06. Review status: criteria provided, single submitter. Criteria: ACMG Guidelines, 2015. Collection method: clinical testing. Allele origin: germline.
Comment: This missense variant replaces proline with threonine at codon 356 of the BMPR1A protein. Computational prediction suggests that this variant may have deleterious impact on protein structure and function (internally defined REVEL score threshold >= 0.7, PMID: 27666373). To our knowledge, functional studies have not been reported for this variant. This variant has not been reported in individuals affected with BMPR1A-related disorders in the literature. This variant has not been identified in the general population by the Genome Aggregation Database (gnomAD). The available evidence is insufficient to determine the role of this variant in disease conclusively. Therefore, this variant is classified as a Variant of Uncertain Significance.